The following is an entry in ClinVar:

NM_005219.5(DIAPH1):c.86C>T (p.Ala29Val)

Gene: DIAPH1 (diaphanous related formin 1; minus strand). Cytogenetic location: 5q31.3.
Variant type: single nucleotide variant.
Coding change: c.86C>T on transcript NM_005219.5 (MANE Select); coding-DNA position 86, C replaced by T.
Protein change: p.Ala29Val; replaces alanine 29 with valine.
Molecular consequence: missense variant.
Genome position (GRCh38, 1-based): chr5:141,618,829, G>A on the plus strand (C>T on the coding strand, the complement: DIAPH1 is on the minus strand). VCF-style: chr5-141618829-G-A. GRCh37 (hg19) VCF-style: chr5-140998396-G-A.
Other names: c.86C>T, p.Ala29Val (NM_001079812.3, NM_001314007.2); short protein forms A29V.
Identifiers: ClinVar variation 2010624 (VCV002010624.4), dbSNP rs2099903127, ClinGen allele CA361508461.

ClinVar aggregate classification (germline): Uncertain significance (1 of 4 stars; one submission).

Conditions:
Autosomal dominant nonsyndromic hearing loss 1. Also called: KONIGSMARK SYNDROME; DEAFNESS, AUTOSOMAL DOMINANT 1, WITH OR WITHOUT THROMBOCYTOPENIA. Identifiers: Orphanet 90635, MedGen C1852282, MONDO:0007424, OMIM 124900.
Progressive microcephaly-seizures-cortical blindness-developmental delay syndrome. Also called: Seizures, cortical blindness, and microcephaly syndrome. Identifiers: Orphanet 477814, MedGen C5567650, MONDO:0014714, OMIM 616632.

Allele frequency attached by ClinVar (database versions not stated): gnomAD 0.00001.

Submission:

Labcorp Genetics (formerly Invitae), Labcorp
Classification: Uncertain significance for Progressive microcephaly-seizures-cortical blindness-developmental delay syndrome; Autosomal dominant nonsyndromic hearing loss 1. Last evaluated: 2022-06-25. Review status: criteria provided, single submitter. Criteria: Invitae Variant Classification Sherloc (09022015). Collection method: clinical testing. Allele origin: germline.
Comment: In summary, the available evidence is currently insufficient to determine the role of this variant in disease. Therefore, it has been classified as a Variant of Uncertain Significance. Algorithms developed to predict the effect of missense changes on protein structure and function are either unavailable or do not agree on the potential impact of this missense change (SIFT: "Tolerated"; PolyPhen-2: "Not Available"; Align-GVGD: "Class C0"). This variant has not been reported in the literature in individuals affected with DIAPH1-related conditions. This variant is not present in population databases (gnomAD no frequency). This sequence change replaces alanine, which is neutral and non-polar, with valine, which is neutral and non-polar, at codon 29 of the DIAPH1 protein (p.Ala29Val).